The following is an entry in ClinVar:

ClinVar aggregate classification (germline): Uncertain significance (1 of 4 stars; one submission).

gnomAD v4.1: 1 of 1,614,172 alleles (0.000062%); highest among the groups gnomAD compares: Non-Finnish European, 0.000085%; no homozygotes.

Submission:

Labcorp Genetics (formerly Invitae), Labcorp
Classification: Uncertain significance. Last evaluated: 2025-12-23. Review status: criteria provided, single submitter. Criteria: Invitae Variant Classification Sherloc (09022015). Collection method: clinical testing. Allele origin: germline.
Comment: This sequence change replaces serine, which is neutral and polar, with alanine, which is neutral and non-polar, at codon 393 of the KLB protein (p.Ser393Ala). This variant is not present in population databases (gnomAD no frequency). This variant has not been reported in the literature in individuals affected with KLB-related conditions. Invitae Evidence Modeling of protein sequence and biophysical properties (such as structural, functional, and spatial information, amino acid conservation, physicochemical variation, residue mobility, and thermodynamic stability) indicates that this missense variant is not expected to disrupt KLB protein function with a negative predictive value of 80%. In summary, the available evidence is currently insufficient to determine the role of this variant in disease. Therefore, it has been classified as a Variant of Uncertain Significance.

NM_175737.4(KLB):c.1177T>G (p.Ser393Ala)

Gene: KLB (klotho beta; plus strand). Cytogenetic location: 4p14.
Variant type: single nucleotide variant.
Coding change: c.1177T>G on transcript NM_175737.4 (MANE Select); coding-DNA position 1177, T replaced by G.
Protein change: p.Ser393Ala; replaces serine 393 with alanine.
Molecular consequence: missense variant.
Genome position (GRCh38, 1-based): chr4:39,434,561, T>G. VCF-style: chr4-39434561-T-G. GRCh37 (hg19) VCF-style: chr4-39436181-T-G.
Other names: short protein forms S393A.
Identifiers: ClinVar variation 4803358 (VCV004803358.1).
Genomic context (GRCh38, chr4:39,434,561, plus strand): 5'-TCTTTTGGACCCAACAACTTCAAGCCCCTAAACACCATGGCTAAAATGGGACAAAATGTT[T>G]CACTTAATTTAAGAGAAGCGCTGAACTGGATTAAACTGGAATACAACAACCCTCGAATCT-3'
Protein context (NP_783864.1, residues 383-403): NTMAKMGQNV[Ser393Ala]LNLREALNWI